The following is an entry in ClinVar:

ClinVar aggregate classification (germline): Uncertain significance. Review status: criteria provided, multiple submitters, no conflicts (2 of 4 stars). 2 submissions from 2 submitters: Uncertain significance (2). Last evaluated 2026-02-06.

Conditions:
Cardiovascular phenotype. Identifiers: MedGen CN230736.

Submissions (2):

GeneDx
Classification: Uncertain significance. Last evaluated: 2026-02-06. Review status: criteria provided, single submitter. Criteria: GeneDx Variant Classification Process June 2021. Collection method: clinical testing. Allele origin: germline.
Comment: Not observed at significant frequency in large population cohorts (gnomAD); Missense variants in this gene are a common cause of disease and they are underrepresented in the general population; In silico analysis suggests that this missense variant does not alter protein structure/function; Has not been previously published as pathogenic or benign to our knowledge

Ambry Genetics
Classification: Uncertain significance for Cardiovascular phenotype. Last evaluated: 2024-11-10. Review status: criteria provided, single submitter. Criteria: Ambry Variant Classification Scheme 2023. Collection method: clinical testing. Allele origin: germline.
Comment: The p.G30V variant (also known as c.89G>T), located in coding exon 1 of the BRAF gene, results from a G to T substitution at nucleotide position 89. The glycine at codon 30 is replaced by valine, an amino acid with dissimilar properties. This amino acid position is conserved. In addition, the in silico prediction for this alteration is inconclusive. Based on the available evidence, the clinical significance of this variant remains unclear.

NM_004333.6(BRAF):c.89G>T (p.Gly30Val)

Gene: BRAF (B-Raf proto-oncogene, serine/threonine kinase; minus strand). Cytogenetic location: 7q34.
Variant type: single nucleotide variant.
Coding change: c.89G>T on transcript NM_004333.6 (MANE Select); coding-DNA position 89, G replaced by T.
Protein change: p.Gly30Val; replaces glycine 30 with valine.
Molecular consequence: missense variant.
Genome position (GRCh38, 1-based): chr7:140,924,615, C>A on the plus strand (G>T on the coding strand, the complement: BRAF is on the minus strand). VCF-style: chr7-140924615-C-A. GRCh37 (hg19) VCF-style: chr7-140624415-C-A.
Other names: c.89G>T, p.Gly30Val (NM_001354609.2, NM_001374244.1, NM_001374258.1 and 7 more transcripts); short protein forms G30V.
Identifiers: ClinVar variation 3481741 (VCV003481741.2).